The following is an entry in ClinVar:

ClinVar aggregate classification (germline): Uncertain significance. Review status: criteria provided, multiple submitters, no conflicts (2 of 4 stars). 2 submissions from 2 submitters: Uncertain significance (2). Last evaluated 2026-06-15.

Conditions:
Hereditary cancer-predisposing syndrome. Also called: Hereditary Cancer Syndrome; Hereditary neoplastic syndrome; Neoplastic Syndromes, Hereditary; Tumor predisposition. Identifiers: Orphanet 140162, MedGen C0027672, MeSH D009386, MONDO:0015356.

Submissions (2):

Ambry Genetics
Classification: Uncertain significance for Hereditary cancer-predisposing syndrome. Last evaluated: 2026-06-15. Review status: criteria provided, single submitter. Criteria: Ambry Variant Classification Scheme 2023. Collection method: clinical testing. Allele origin: germline.
Comment: The c.358+2_358+3insACCA intronic variant begins 2 nucleotides after coding exon 2 in the MSH3 gene. This variant results from an insertion of 4 nucleotides after position c.358+2. This nucleotide region is well conserved in available vertebrate species. In silico splice site analysis predicts that this alteration will weaken the native splice donor site. Based on the available evidence, the clinical significance of this variant remains unclear.

Labcorp Genetics (formerly Invitae), Labcorp
Classification: Uncertain significance. Last evaluated: 2025-10-20. Review status: criteria provided, single submitter. Criteria: Invitae Variant Classification Sherloc (09022015). Collection method: clinical testing. Allele origin: germline.
Comment: This sequence change falls in intron 2 of the MSH3 gene. It does not directly change the encoded amino acid sequence of the MSH3 protein. It affects a nucleotide within the consensus splice site. This variant is not present in population databases (gnomAD no frequency). This variant has not been reported in the literature in individuals affected with MSH3-related conditions. ClinVar contains an entry for this variant (Variation ID: 2973662). Variants that disrupt the consensus splice site are a relatively common cause of aberrant splicing (PMID: 17576681, 9536098). Studies have shown that this variant is associated with inconclusive levels of altered splicing (internal data). In summary, the available evidence is currently insufficient to determine the role of this variant in disease. Therefore, it has been classified as a Variant of Uncertain Significance.

Literature cited by the submitters: PubMed 17576681 (cited by Labcorp Genetics (formerly Invitae), Labcorp); PubMed 9536098 (cited by Labcorp Genetics (formerly Invitae), Labcorp).

NM_002439.5(MSH3):c.358+2_358+3insACCA

Gene: MSH3 (mutS homolog 3; plus strand). Cytogenetic location: 5q14.1.
Variant type: Insertion.
Coding change: c.358+2_358+3insACCA on transcript NM_002439.5 (MANE Select); the canonical splice donor site of the intron after coding-DNA position 358 through 3 bases into the intron after coding-DNA position 358, ACCA inserted.
Molecular consequence: intron variant.
Genome position: GRCh38 VCF-style: chr5-80656533-T-TACCA. GRCh37 (hg19) VCF-style: chr5-79952352-T-TACCA.
Other names: c.358+2_358+3insACCA (NM_002439.3).
Identifiers: ClinVar variation 2973662 (VCV002973662.4), dbSNP rs2546712331, ClinGen allele CA2740091758.